The following is an entry in ClinVar:

ClinVar aggregate classification (germline): Uncertain significance (1 of 4 stars; one submission).

Conditions:
Bardet-Biedl syndrome 16 (BBS16). Identifiers: Orphanet 110, MedGen C3889474, MONDO:0014444, OMIM 615993.
Senior-Loken syndrome 7 (SLSN7). Identifiers: Orphanet 3156, MedGen C3150877, MONDO:0013326, OMIM 613615.

Allele frequency attached by ClinVar (database versions not stated): gnomAD exomes below 0.00001 and 0.00001; ExAC 0.00001.
gnomAD v4.1: 4 of 1,612,424 alleles (0.00025%); highest among the groups gnomAD compares: Middle Eastern, 0.033%; no homozygotes.

Submission:

Labcorp Genetics (formerly Invitae), Labcorp
Classification: Uncertain significance for Bardet-Biedl syndrome 16; Senior-Loken syndrome 7. Last evaluated: 2019-11-29. Review status: criteria provided, single submitter. Criteria: Invitae Variant Classification Sherloc (09022015). Collection method: clinical testing. Allele origin: germline.
Comment: Algorithms developed to predict the effect of missense changes on protein structure and function (SIFT, PolyPhen-2, Align-GVGD) all suggest that this variant is likely to be tolerated, but these predictions have not been confirmed by published functional studies and their clinical significance is uncertain. This variant has not been reported in the literature in individuals with SDCCAG8-related conditions. This variant is present in population databases (rs778488043, ExAC 0.006%). This sequence change replaces methionine with valine at codon 708 of the SDCCAG8 protein (p.Met708Val). The methionine residue is moderately conserved and there is a small physicochemical difference between methionine and valine. In summary, the available evidence is currently insufficient to determine the role of this variant in disease. Therefore, it has been classified as a Variant of Uncertain Significance.

NM_006642.5(SDCCAG8):c.2122A>G (p.Met708Val)

Genes: SDCCAG8 (SHH signaling and ciliogenesis regulator SDCCAG8; plus strand), AKT3 (AKT serine/threonine kinase 3; minus strand). Cytogenetic location: 1q43.
Variant type: single nucleotide variant.
Coding change: c.2122A>G on transcript NM_006642.5 (MANE Select); coding-DNA position 2122, A replaced by G.
Protein change: p.Met708Val; replaces methionine 708 with valine.
Molecular consequence: missense variant. On other transcripts: 3 prime UTR variant (2).
Genome position (GRCh38, 1-based): chr1:243,499,765, A>G. VCF-style: chr1-243499765-A-G. GRCh37 (hg19) VCF-style: chr1-243663067-A-G.
Other names: c.1376T>C, p.Met459Thr (NM_001206729.2, NM_181690.2); c.*5484T>C (NM_001370074.1, NM_005465.7); c.1219A>G, p.Met407Val (NM_001350246.2, NM_001350247.2, NM_001350251.2); c.2218A>G, p.Met740Val (NM_001350248.2); c.1828A>G, p.Met610Val (NM_001350249.2); short protein forms M610V, M708V, M407V, M459T, M740V.
Identifiers: ClinVar variation 853144 (VCV000853144.9), dbSNP rs778488043, ClinGen allele CA1483871.
Genomic context (GRCh38, chr1:243,499,765, plus strand): 5'-AACATTGAAGAACATGAGCTATTGAAACTTACTTTTTATTATTTTTTCCAGTTACCCAGC[A>G]TGCCACAATCTGATTGCTGACCTGGATGGAACAGAGTGAAATAAATGATTTACAAAGAGA-3'
Protein context (NP_006633.1, residues 698-713): VDRLRTQLPS[Met708Val]PQSDC